The following is an entry in ClinVar:

NM_001198950.3(MYO16):c.742-7G>A

Gene: MYO16 (myosin XVI; plus strand). Cytogenetic location: 13q33.3.
Variant type: single nucleotide variant.
Coding change: c.742-7G>A on transcript NM_001198950.3 (MANE Select); 7 bases into the intron before coding-DNA position 742, G replaced by A.
Molecular consequence: intron variant.
Genome position (GRCh38, 1-based): chr13:108,806,672, G>A. VCF-style: chr13-108806672-G-A. GRCh37 (hg19) VCF-style: chr13-109459020-G-A.
Other names: c.676-7G>A (NM_015011.3).
Identifiers: ClinVar variation 3060009 (VCV003060009.2), dbSNP rs9301323, ClinGen allele CA7044519.

ClinVar aggregate classification (germline): Benign (0 of 4 stars; one submission).

Conditions:
MYO16-related disorder. Also called: MYO16-related condition.

Allele frequency attached by ClinVar (database versions not stated): ESP Exome Variant Server 0.60641; TOPMed 0.62112; 1000 Genomes Project 30x 0.63632; gnomAD 0.63671; 1000 Genomes Project 0.64297; gnomAD exomes 0.71141; ExAC 0.71679.
gnomAD v4.1: 1,132,775 of 1,608,986 alleles (70%); highest among the groups gnomAD compares: Admixed American, 76%; 403,828 homozygotes.

Submission:

PreventionGenetics, part of Exact Sciences
Classification: Benign for MYO16-related condition. Last evaluated: 2019-10-17. Review status: no assertion criteria provided. Collection method: clinical testing. Allele origin: germline.
Comment: This variant is classified as benign based on ACMG/AMP sequence variant interpretation guidelines (Richards et al. 2015 PMID: 25741868, with internal and published modifications).